The following is an entry in ClinVar:

NM_000214.3(JAG1):c.2064C>G (p.Asp688Glu)

Gene: JAG1 (jagged canonical Notch ligand 1; minus strand). Cytogenetic location: 20p12.2.
Variant type: single nucleotide variant.
Coding change: c.2064C>G on transcript NM_000214.3 (MANE Select); coding-DNA position 2064, C replaced by G.
Protein change: p.Asp688Glu; replaces aspartic acid 688 with glutamic acid.
Molecular consequence: missense variant.
Genome position (GRCh38, 1-based): chr20:10,645,405, G>C on the plus strand (C>G on the coding strand, the complement: JAG1 is on the minus strand). VCF-style: chr20-10645405-G-C. GRCh37 (hg19) VCF-style: chr20-10626053-G-C.
Other names: short protein forms D688E.
Identifiers: ClinVar variation 1449442 (VCV001449442.6), dbSNP rs2122603442, ClinGen allele CA408235483.

ClinVar aggregate classification (germline): Uncertain significance (1 of 4 stars; one submission).

Conditions:
Alagille syndrome due to a JAG1 point mutation. Also called: HEPATIC DUCTULAR HYPOPLASIA, SYNDROMATIC; JAG1-Related Alagille Syndrome; Alagille Syndrome 1. Identifiers: Orphanet 261619, Orphanet 52, MedGen C1956125, MONDO:0016862, OMIM 118450.

Submission:

Labcorp Genetics (formerly Invitae), Labcorp
Classification: Uncertain significance for Alagille syndrome due to a JAG1 point mutation. Last evaluated: 2024-11-05. Review status: criteria provided, single submitter. Criteria: Invitae Variant Classification Sherloc (09022015). Collection method: clinical testing. Allele origin: germline.
Comment: This sequence change replaces aspartic acid, which is acidic and polar, with glutamic acid, which is acidic and polar, at codon 688 of the JAG1 protein (p.Asp688Glu). This variant is not present in population databases (gnomAD no frequency). This variant has not been reported in the literature in individuals affected with JAG1-related conditions. ClinVar contains an entry for this variant (Variation ID: 1449442). Invitae Evidence Modeling of protein sequence and biophysical properties (such as structural, functional, and spatial information, amino acid conservation, physicochemical variation, residue mobility, and thermodynamic stability) indicates that this missense variant is not expected to disrupt JAG1 protein function with a negative predictive value of 80%. In summary, the available evidence is currently insufficient to determine the role of this variant in disease. Therefore, it has been classified as a Variant of Uncertain Significance.